The following is an entry in ClinVar:

NM_000019.4(ACAT1):c.431A>C (p.His144Pro)

Gene: ACAT1 (acetyl-CoA acetyltransferase 1; plus strand). Cytogenetic location: 11q22.3.
Variant type: single nucleotide variant.
Coding change: c.431A>C on transcript NM_000019.4 (MANE Select); coding-DNA position 431, A replaced by C.
Protein change: p.His144Pro; replaces histidine 144 with proline.
Molecular consequence: missense variant.
Genome position (GRCh38, 1-based): chr11:108,135,238, A>C. VCF-style: chr11-108135238-A-C. GRCh37 (hg19) VCF-style: chr11-108005965-A-C.
Other names: short protein forms H144P.
Identifiers: ClinVar variation 666482 (VCV000666482.6), dbSNP rs1025180934, ClinGen allele CA228400172.
Genomic context (GRCh38, chr11:108,135,238, plus strand): 5'-AAGTTTGTGCTTCAGGAATGAAAGCCATCATGATGGCCTCTCAAAGTCTTATGTGTGGAC[A>C]TCAGGTAAGAAACACCGTCCTTCCCATTTATTAATCAGAGTAATACCTAGGGCTAAAAGA-3'
Protein context (NP_000010.1, residues 134-154): MMASQSLMCG[His144Pro]QDVMVAGGME

ClinVar aggregate classification (germline): Likely pathogenic. Review status: criteria provided, multiple submitters, no conflicts (2 of 4 stars). 4 submissions from 4 submitters: Likely pathogenic (4). Last evaluated 2025-08-25.

Conditions:
Deficiency of acetyl-CoA acetyltransferase. Also called: MITOCHONDRIAL ACETOACETYL-CoA THIOLASE DEFICIENCY; 3-KETOTHIOLASE DEFICIENCY; 3-OXOTHIOLASE DEFICIENCY; Beta-ketothiolase deficiency. Identifiers: Orphanet 134, MedGen C1536500, MONDO:0008760, OMIM 203750. Disease mechanism: loss of function.

gnomAD v4.1: 7 of 1,606,592 alleles (0.00044%); highest among the groups gnomAD compares: East Asian, 0.016%; no homozygotes.

Submissions (4):

Natera, Inc.
Classification: Likely pathogenic for Alpha-methylacetoacetic aciduria. Last evaluated: 2025-08-25. Review status: criteria provided, single submitter. Criteria: Natera Variant Classification Schema (03/2026). Collection method: clinical testing. Allele origin: germline.
Comment: The c.431A>C variant in ACAT1 is a missense variant predicted to cause substitution of histidine to proline at amino acid 144. This variant is rare in the general population with a frequency below the threshold expected for the associated phenotype(s). This variant has been observed in one or more individuals affected with the associated recessive disease, as either homozygous or compound heterozygous with a second variant (PMID: 23430882). This variant has been identified in one or more affected individual with a phenotype highly consistent with the associated gene (PMID: 23430882). Computational prediction algorithms indicate this variant is likely to affect gene or protein function. Given the available evidence, this variant is classified as Likely Pathogenic.

Baylor Genetics
Classification: Likely pathogenic for Deficiency of acetyl-CoA acetyltransferase. Last evaluated: 2024-01-17. Review status: criteria provided, single submitter. Criteria: ACMG Guidelines, 2015. Collection method: clinical testing. Allele origin: unknown.

Department of Pediatrics, Gifu University
Classification: Likely pathogenic for Deficiency of acetyl-CoA acetyltransferase. Last evaluated: 2019-05-05. Review status: criteria provided, single submitter. Criteria: ACMG Guidelines, 2015. Collection method: research. Allele origin: germline. Affected: yes. Observed: 3 variant alleles. Clinical features observed: Ketoacidosis, Altered mental status.

Juno Genomics, Hangzhou Juno Genomics, Inc
Classification: Likely pathogenic for Deficiency of acetyl-CoA acetyltransferase. Review status: criteria provided, single submitter. Criteria: ACMG Guidelines, 2015. Collection method: clinical testing. Allele origin: germline.
Comment: Absent from controls (or at extremely low frequency if recessive) in Genome Aggregation Database.;Well-established in vitro or in vivo functional studies supportive of a damaging effect on the gene or gene product.;For recessive disorders, detected in trans with a pathogenic variant.;Patient's phenotype or family history is highly specific for a disease with a single genetic etiology.

Literature cited by the submitters: PubMed 23430882 (cited by Natera, Inc. and Department of Pediatrics, Gifu University); PubMed 31268215 (cited by Department of Pediatrics, Gifu University).